The following is an entry in ClinVar:

NM_000256.3(MYBPC3):c.1624+1G>T

Gene: MYBPC3 (myosin binding protein C3; minus strand). Cytogenetic location: 11p11.2.
Variant type: single nucleotide variant.
Coding change: c.1624+1G>T on transcript NM_000256.3 (MANE Select); the canonical splice donor site of the intron after coding-DNA position 1624, G replaced by T.
Molecular consequence: splice donor variant.
Genome position (GRCh38, 1-based): chr11:47,342,577, C>A on the plus strand (G>T on the coding strand, the complement: MYBPC3 is on the minus strand). VCF-style: chr11-47342577-C-A. GRCh37 (hg19) VCF-style: chr11-47364128-C-A.
Identifiers: ClinVar variation 1067323 (VCV001067323.9), dbSNP rs1252584025, ClinGen allele CA380324977.

ClinVar aggregate classification (germline): Pathogenic/Likely pathogenic. Review status: criteria provided, multiple submitters, no conflicts (2 of 4 stars). 3 submissions from 3 submitters: Pathogenic (2); Likely pathogenic (1). Last evaluated 2026-03-01.

Conditions:
Hypertrophic cardiomyopathy. Also called: HYPERTROPHIC MYOCARDIOPATHY. Identifiers: Orphanet 217569, MedGen C0007194, MeSH D002312, MONDO:0005045, HP:0001639.
Cardiovascular phenotype. Identifiers: MedGen CN230736.

Submissions (3):

GeneDx
Classification: Pathogenic. Last evaluated: 2026-03-01. Review status: criteria provided, single submitter. Criteria: GeneDx Variant Classification Process June 2021. Collection method: clinical testing. Allele origin: germline.
Comment: Canonical splice site variant predicted to result in a null allele in a gene for which loss of function is a known mechanism of disease; Not observed at significant frequency in large population cohorts (gnomAD); Has not been previously published as pathogenic or benign in a peer reviewed publication to our knowledge; This variant is associated with the following publications: (PMID: 16679492, Zhou2019[preprint])

Ambry Genetics
Classification: Likely pathogenic for Cardiovascular phenotype. Last evaluated: 2024-01-24. Review status: criteria provided, single submitter. Criteria: Ambry Variant Classification Scheme 2023. Collection method: clinical testing. Allele origin: germline.
Comment: The c.1624+1G>T intronic variant results from a G to T substitution one nucleotide after coding exon 17 of the MYBPC3 gene. This variant is considered to be rare based on population cohorts in the Genome Aggregation Database (gnomAD). This nucleotide position is highly conserved in available vertebrate species. In silico splice site analysis predicts that this alteration will weaken the native splice donor site and will result in the creation or strengthening of a novel splice donor site. Alterations that disrupt the canonical splice site are expected to cause aberrant splicing, resulting in an abnormal protein or a transcript that is subject to nonsense-mediated mRNA decay. As such, this alteration is classified as likely pathogenic.

Labcorp Genetics (formerly Invitae), Labcorp
Classification: Pathogenic for Hypertrophic cardiomyopathy. Last evaluated: 2022-09-01. Review status: criteria provided, single submitter. Criteria: Invitae Variant Classification Sherloc (09022015). Collection method: clinical testing. Allele origin: germline.
Comment: This sequence change affects a donor splice site in intron 17 of the MYBPC3 gene. It is expected to disrupt RNA splicing. Variants that disrupt the donor or acceptor splice site typically lead to a loss of protein function (PMID: 16199547), and loss-of-function variants in MYBPC3 are known to be pathogenic (PMID: 19574547). This variant is not present in population databases (gnomAD no frequency). Disruption of this splice site has been observed in individuals with hypertrophic cardiomyopathy (PMID: 16679492; Invitae). ClinVar contains an entry for this variant (Variation ID: 1067323). Algorithms developed to predict the effect of sequence changes on RNA splicing suggest that this variant may disrupt the consensus splice site. For these reasons, this variant has been classified as Pathogenic.

Literature cited by the submitters: PubMed 16199547 (cited by Labcorp Genetics (formerly Invitae), Labcorp); PubMed 19574547 (cited by Labcorp Genetics (formerly Invitae), Labcorp); PubMed 16679492 (cited by Labcorp Genetics (formerly Invitae), Labcorp).